The following is an entry in ClinVar:

NM_001128.6(AP1G1):c.1826C>T (p.Pro609Leu)

Gene: AP1G1 (adaptor related protein complex 1 subunit gamma 1; minus strand). Cytogenetic location: 16q22.2.
Variant type: single nucleotide variant.
Coding change: c.1826C>T on transcript NM_001128.6 (MANE Select); coding-DNA position 1826, C replaced by T.
Protein change: p.Pro609Leu; replaces proline 609 with leucine.
Molecular consequence: missense variant.
Genome position (GRCh38, 1-based): chr16:71,745,519, G>A on the plus strand (C>T on the coding strand, the complement: AP1G1 is on the minus strand). VCF-style: chr16-71745519-G-A. GRCh37 (hg19) VCF-style: chr16-71779422-G-A.
Other names: c.1835C>T, p.Pro612Leu (NM_001030007.2); short protein forms P609L, P612L.
Identifiers: ClinVar variation 4527856 (VCV004527856.1).

ClinVar aggregate classification (germline): Uncertain significance (1 of 4 stars; one submission).

gnomAD v4.1: 1 of 1,614,174 alleles (0.000062%); highest among the groups gnomAD compares: Non-Finnish European, 0.000085%; no homozygotes.

Submission:

GeneDx
Classification: Uncertain significance. Last evaluated: 2025-05-01. Review status: criteria provided, single submitter. Criteria: GeneDx Variant Classification Process June 2021. Collection method: clinical testing. Allele origin: germline. Affected: yes.
Comment: Not observed at significant frequency in large population cohorts (gnomAD); In silico analysis suggests that this missense variant does not alter protein structure/function; Has not been previously published as pathogenic or benign to our knowledge